The following is an entry in ClinVar:

NM_001365088.1(SLC12A6):c.364T>A (p.Tyr122Asn)

Gene: SLC12A6 (solute carrier family 12 member 6; minus strand). Cytogenetic location: 15q14.
Variant type: single nucleotide variant.
Coding change: c.364T>A on transcript NM_001365088.1 (MANE Select); coding-DNA position 364, T replaced by A.
Protein change: p.Tyr122Asn; replaces tyrosine 122 with asparagine.
Molecular consequence: missense variant.
Genome position (GRCh38, 1-based): chr15:34,260,973, A>T on the plus strand (T>A on the coding strand, the complement: SLC12A6 is on the minus strand). VCF-style: chr15-34260973-A-T. GRCh37 (hg19) VCF-style: chr15-34553174-A-T.
Other names: c.187T>A, p.Tyr63Asn (NM_001042494.2, NM_001042495.2); c.337T>A, p.Tyr113Asn (NM_001042496.2); c.319T>A, p.Tyr107Asn (NM_001042497.2); c.211T>A, p.Tyr71Asn (NM_005135.2); c.364T>A, p.Tyr122Asn (NM_133647.2); short protein forms Y107N, Y113N, Y63N, Y122N, Y71N.
Identifiers: ClinVar variation 5029590 (VCV005029590.1).

ClinVar aggregate classification (germline): Uncertain significance (1 of 4 stars; one submission).

Conditions:
Inborn genetic diseases. Identifiers: MedGen C0950123, MeSH D030342.

Submission:

Ambry Genetics
Classification: Uncertain significance for Inborn genetic diseases. Last evaluated: 2026-07-17. Review status: criteria provided, single submitter. Criteria: Ambry Variant Classification Scheme 2023. Collection method: clinical testing. Allele origin: germline.
Comment: The p.Y122N variant (also known as c.364T>A), located in coding exon 3 of the SLC12A6 gene, results from a T to A substitution at nucleotide position 364. The tyrosine at codon 122 is replaced by asparagine, an amino acid with dissimilar properties. This amino acid position is conserved. In addition, this alteration is predicted to be tolerated by in silico analysis. Based on the available evidence, the clinical significance of this variant remains unclear.